The following is an entry in ClinVar:

ClinVar aggregate classification (germline): Uncertain significance. Review status: criteria provided, multiple submitters, no conflicts (2 of 4 stars). 2 submissions from 2 submitters: Uncertain significance (2). Last evaluated 2026-02-01.

Allele frequency attached by ClinVar (database versions not stated): TOPMed 0.00002; ExAC 0.00005.
gnomAD v4.1: 101 of 1,609,678 alleles (0.0063%); highest among the groups gnomAD compares: Non-Finnish European, 0.0083%; no homozygotes.

Submissions (2):

CeGaT Center for Human Genetics Tuebingen
Classification: Uncertain significance. Last evaluated: 2026-02-01. Review status: criteria provided, single submitter. Criteria: CeGaT Center For Human Genetics Tuebingen Variant Classification Criteria Version 2. Collection method: clinical testing. Allele origin: germline. Affected: yes. Observed: 1 variant allele.
Comment: PROM1: PM2, BP4

Labcorp Genetics (formerly Invitae), Labcorp
Classification: Uncertain significance. Last evaluated: 2025-02-01. Review status: criteria provided, single submitter. Criteria: Invitae Variant Classification Sherloc (09022015). Collection method: clinical testing. Allele origin: germline.
Comment: This sequence change replaces methionine, which is neutral and non-polar, with threonine, which is neutral and polar, at codon 839 of the PROM1 protein (p.Met839Thr). This variant is present in population databases (rs758726922, gnomAD 0.006%). This variant has not been reported in the literature in individuals affected with PROM1-related conditions. ClinVar contains an entry for this variant (Variation ID: 1004430). An algorithm developed to predict the effect of missense changes on protein structure and function (PolyPhen-2) suggests that this variant is likely to be tolerated. In summary, the available evidence is currently insufficient to determine the role of this variant in disease. Therefore, it has been classified as a Variant of Uncertain Significance.

NM_006017.3(PROM1):c.2516T>C (p.Met839Thr)

Gene: PROM1 (prominin 1; minus strand). Cytogenetic location: 4p15.32.
Variant type: single nucleotide variant.
Coding change: c.2516T>C on transcript NM_006017.3 (MANE Select); coding-DNA position 2516, T replaced by C.
Protein change: p.Met839Thr; replaces methionine 839 with threonine.
Molecular consequence: missense variant. On other transcripts: intron variant (6).
Genome position (GRCh38, 1-based): chr4:15,979,461, A>G on the plus strand (T>C on the coding strand, the complement: PROM1 is on the minus strand). VCF-style: chr4-15979461-A-G. GRCh37 (hg19) VCF-style: chr4-15981084-A-G.
Other names: c.2489T>C, p.Met830Thr (NM_001145847.2, NM_001145848.2, NM_001371406.1); c.2462+961T>C (NM_001145852.2, NM_001371408.1, NM_001371407.1); c.2489+961T>C (NM_001145850.2); c.2486+420T>C (NM_001145851.2); c.2513+420T>C (NM_001145849.2); short protein forms M830T, M839T.
Identifiers: ClinVar variation 1004430 (VCV001004430.12), dbSNP rs758726922, ClinGen allele CA2866329.